The following is an entry in ClinVar:

ClinVar aggregate classification (germline): Uncertain significance (1 of 4 stars; one submission).

Conditions:
Hypertrophic cardiomyopathy. Also called: HYPERTROPHIC MYOCARDIOPATHY. Identifiers: Orphanet 217569, MedGen C0007194, MeSH D002312, MONDO:0005045, HP:0001639.

Submission:

Labcorp Genetics (formerly Invitae), Labcorp
Classification: Uncertain significance for Hypertrophic cardiomyopathy. Last evaluated: 2021-09-21. Review status: criteria provided, single submitter. Criteria: Invitae Variant Classification Sherloc (09022015). Collection method: clinical testing. Allele origin: germline.
Comment: This sequence change replaces glutamic acid with lysine at codon 71 of the TNNI3 protein (p.Glu71Lys). The glutamic acid residue is highly conserved and there is a small physicochemical difference between glutamic acid and lysine. This variant is not present in population databases (ExAC no frequency). This variant has not been reported in the literature in individuals affected with TNNI3-related conditions. Algorithms developed to predict the effect of missense changes on protein structure and function are either unavailable or do not agree on the potential impact of this missense change (SIFT: "Deleterious"; PolyPhen-2: "Probably Damaging"; Align-GVGD: "Class C0"). In summary, the available evidence is currently insufficient to determine the role of this variant in disease. Therefore, it has been classified as a Variant of Uncertain Significance.

NM_000363.5(TNNI3):c.211G>A (p.Glu71Lys)

Gene: TNNI3 (troponin I3, cardiac type; minus strand). Cytogenetic location: 19q13.42.
Variant type: single nucleotide variant.
Coding change: c.211G>A on transcript NM_000363.5 (MANE Select); coding-DNA position 211, G replaced by A.
Protein change: p.Glu71Lys; replaces glutamic acid 71 with lysine.
Molecular consequence: missense variant.
Genome position (GRCh38, 1-based): chr19:55,156,272, C>T on the plus strand (G>A on the coding strand, the complement: TNNI3 is on the minus strand). VCF-style: chr19-55156272-C-T. GRCh37 (hg19) VCF-style: chr19-55667640-C-T.
Other names: short protein forms E71K.
Identifiers: ClinVar variation 1489836 (VCV001489836.6), dbSNP rs2147284929, ClinGen allele CA407441828.